The following is an entry in ClinVar:

ClinVar aggregate classification (germline): Uncertain significance. Review status: criteria provided, multiple submitters, no conflicts (2 of 4 stars). 3 submissions from 3 submitters: Uncertain significance (3). Last evaluated 2025-11-26.

Conditions:
TTN-related disorder. Also called: TTN-related disorders; TTN-related condition; TTN-related disease.

Allele frequency attached by ClinVar (database versions not stated): gnomAD exomes below 0.00001 and 0.00001; ExAC 0.00001; gnomAD 0.00002; TOPMed 0.00002.
gnomAD v4.1: 21 of 1,604,544 alleles (0.0013%); highest among the groups gnomAD compares: Non-Finnish European, 0.0016%; no homozygotes.

Submissions (3):

PreventionGenetics, part of Exact Sciences
Classification: Uncertain significance for TTN-related condition. Last evaluated: 2025-11-26. Review status: criteria provided, single submitter. Criteria: ACMG Guidelines, 2015. Collection method: clinical testing. Allele origin: germline.
Comment: The TTN c.28142C>G variant is predicted to result in the amino acid substitution p.Ser9381Cys. To our knowledge, this variant has not been reported in the literature. This variant is reported in 1 allele out of 242746 alleles in gnomAD. At this time, the clinical significance of this variant is uncertain due to the absence of conclusive functional and genetic evidence.

GeneDx
Classification: Uncertain significance. Last evaluated: 2020-02-05. Review status: criteria provided, single submitter. Criteria: GeneDx Variant Classification Process June 2021. Collection method: clinical testing. Allele origin: germline. Affected: yes.
Comment: Has not been previously published as pathogenic or benign to our knowledge; Not observed at a significant frequency in large population cohorts (Lek et al., 2016); Missense variant in a gene in which most reported pathogenic variants are truncating/loss-of-function; Not located in the A-band nor the M-line region of titin, where the majority of pathogenic truncating variants have been reported

Revvity Omics, Revvity
Classification: Uncertain significance. Last evaluated: 2019-11-08. Review status: criteria provided, single submitter. Criteria: ACMG Guidelines, 2015. Collection method: clinical testing. Allele origin: germline.

NM_001267550.2(TTN):c.28142C>G (p.Ser9381Cys)

Gene: TTN (titin; minus strand). Cytogenetic location: 2q31.2.
Variant type: single nucleotide variant.
Coding change: c.28142C>G on transcript NM_001267550.2 (MANE Select); coding-DNA position 28142, C replaced by G.
Protein change: p.Ser9381Cys; replaces serine 9381 with cysteine.
Molecular consequence: missense variant. On other transcripts: intron variant (3).
Genome position (GRCh38, 1-based): chr2:178,711,094, G>C on the plus strand (C>G on the coding strand, the complement: TTN is on the minus strand). VCF-style: chr2-178711094-G-C. GRCh37 (hg19) VCF-style: chr2-179575821-G-C.
Other names: c.27191C>G, p.Ser9064Cys (NM_001256850.1); c.24410C>G, p.Ser8137Cys (NM_133378.4); c.13282+26988C>G (NM_003319.4); c.13858+26988C>G (NM_133437.4); c.13657+26988C>G (NM_133432.3); short protein forms S8137C, S9064C, S9381C.
Identifiers: ClinVar variation 1315137 (VCV001315137.5), dbSNP rs763983068, ClinGen allele CA1999653.